The following is an entry in ClinVar:

NM_014855.3(AP5Z1):c.2105_2116dup (p.Met702_Leu705dup)

Gene: AP5Z1 (adaptor related protein complex 5 subunit zeta 1; plus strand). Cytogenetic location: 7p22.1.
Variant type: Duplication.
Coding change: c.2105_2116dup on transcript NM_014855.3 (MANE Select); coding-DNA positions 2105 to 2116, 12 bases duplicated (TGACCACGCTGA).
Protein change: p.Met702_Leu705dup.
Molecular consequence: inframe insertion. On other transcripts: non-coding transcript variant (1).
Genome position (GRCh38, 1-based): chr7:4,790,839-4,790,850, TGACCACGCTGA duplicated; duplicating any 12 consecutive bases within chr7:4,790,834-4,790,850 gives the same sequence; the c. name uses the placement nearest the transcript's 3' end. VCF-style (leftmost placement, unchanged base first): chr7-4790833-T-TGCTGATGACCAC. GRCh37 (hg19) VCF-style: chr7-4830464-T-TGCTGATGACCAC.
Other names: c.2105_2116dup, p.Met702_Leu705dup (LRG_1247t1); c.1637_1648dup, p.Met546_Leu549dup (NM_001364858.1).
Identifiers: ClinVar variation 641106 (VCV000641106.9), dbSNP rs746548308, ClinGen allele CA4138300.

ClinVar aggregate classification (germline): Uncertain significance. Review status: criteria provided, multiple submitters, no conflicts (2 of 4 stars). 2 submissions from 2 submitters: Uncertain significance (2). Last evaluated 2025-12-08.

Conditions:
Hereditary spastic paraplegia 48. Also called: SPASTIC PARAPLEGIA 48, AUTOSOMAL RECESSIVE; Spastic paraplegia 48. Identifiers: Orphanet 306511, MedGen C3150901, MONDO:0013342, OMIM 613647.
Hereditary spastic paraplegia. Also called: Familial spastic paraparesis. Identifiers: Orphanet 685, MedGen C0037773, MONDO:0019064. Disease mechanism: loss of function.

Submissions (2):

Labcorp Genetics (formerly Invitae), Labcorp
Classification: Uncertain significance for Hereditary spastic paraplegia 48. Last evaluated: 2025-12-08. Review status: criteria provided, single submitter. Criteria: Invitae Variant Classification Sherloc (09022015). Collection method: clinical testing. Allele origin: germline.
Comment: This variant, c.2105_2116dup, results in the insertion of 4 amino acid(s) of the AP5Z1 protein (p.Met702_Leu705dup), but otherwise preserves the integrity of the reading frame. This variant is present in population databases (rs746548308, gnomAD 0.01%). This variant has not been reported in the literature in individuals affected with AP5Z1-related conditions. ClinVar contains an entry for this variant (Variation ID: 641106). Experimental studies and prediction algorithms are not available or were not evaluated, and the functional significance of this variant is currently unknown. In summary, the available evidence is currently insufficient to determine the role of this variant in disease. Therefore, it has been classified as a Variant of Uncertain Significance.

Genome Diagnostics Laboratory, The Hospital for Sick Children
Classification: Uncertain significance for Hereditary spastic paraplegia. Last evaluated: 2019-03-01. Review status: criteria provided, single submitter. Criteria: ACMG Guidelines, 2015. Collection method: clinical testing. Allele origin: germline. Affected: yes.